The following is an entry in ClinVar:

NM_198282.4(STING1):c.142G>T (p.Val48Leu)

Gene: STING1 (stimulator of interferon response cGAMP interactor 1; minus strand). Cytogenetic location: 5q31.2.
Variant type: single nucleotide variant.
Coding change: c.142G>T on transcript NM_198282.4 (MANE Select); coding-DNA position 142, G replaced by T.
Protein change: p.Val48Leu; replaces valine 48 with leucine.
Molecular consequence: missense variant. On other transcripts: intron variant (1).
Genome position (GRCh38, 1-based): chr5:139,481,563, C>A on the plus strand (G>T on the coding strand, the complement: STING1 is on the minus strand). VCF-style: chr5-139481563-C-A. GRCh37 (hg19) VCF-style: chr5-138861148-C-A.
Other names: c.142G>T, p.Val48Leu (NM_001301738.2); c.-130-221G>T (NM_001367258.1); short protein forms V48L.
Identifiers: ClinVar variation 944755 (VCV000944755.8), dbSNP rs902177158, ClinGen allele CA128748271.

ClinVar aggregate classification (germline): Uncertain significance (1 of 4 stars; one submission).

Conditions:
STING-associated vasculopathy with onset in infancy. Also called: Sting-associated vasculopathy, infantile-onset. Identifiers: Orphanet 425120, MedGen C4014722, MONDO:0014405, OMIM 615934.

Allele frequency attached by ClinVar (database versions not stated): gnomAD 0.00009 and 0.00008; gnomAD exomes 0.00003 and 0.00016; TOPMed 0.00009.
gnomAD v4.1: 245 of 1,613,764 alleles (0.015%); highest among the groups gnomAD compares: Non-Finnish European, 0.02%; no homozygotes.

Submission:

Labcorp Genetics (formerly Invitae), Labcorp
Classification: Uncertain significance for STING-associated vasculopathy with onset in infancy. Last evaluated: 2025-09-24. Review status: criteria provided, single submitter. Criteria: Invitae Variant Classification Sherloc (09022015). Collection method: clinical testing. Allele origin: germline.
Comment: This sequence change replaces valine, which is neutral and non-polar, with leucine, which is neutral and non-polar, at codon 48 of the TMEM173 protein (p.Val48Leu). This variant is present in population databases (no rsID available, gnomAD 0.009%). This variant has not been reported in the literature in individuals affected with TMEM173-related conditions. ClinVar contains an entry for this variant (Variation ID: 944755). Invitae Evidence Modeling of protein sequence and biophysical properties (such as structural, functional, and spatial information, amino acid conservation, physicochemical variation, residue mobility, and thermodynamic stability) indicates that this missense variant is not expected to disrupt TMEM173 protein function with a negative predictive value of 80%. Algorithms developed to predict the effect of sequence changes on RNA splicing suggest that this variant may create or strengthen a splice site. In summary, the available evidence is currently insufficient to determine the role of this variant in disease. Therefore, it has been classified as a Variant of Uncertain Significance.